The following is an entry in ClinVar:

ClinVar aggregate classification (germline): Likely benign. Review status: criteria provided, multiple submitters, no conflicts (2 of 4 stars). 2 submissions from 2 submitters: Likely benign (2). Last evaluated 2023-05-07.

Conditions:
Hereditary breast ovarian cancer syndrome. Also called: Hereditary breast and ovarian cancer syndrome (HBOC); Hereditary breast and ovarian cancer; Hereditary breast and ovarian cancer syndrome; Breast and ovarian cancer; BRCA1- and BRCA2-Associated Hereditary Breast and Ovarian Cancer; Hereditary breast and/or ovarian cancer syndrome. Identifiers: Orphanet 145, MedGen C0677776, MeSH D061325, MONDO:0003582. Disease mechanism: loss of function.

Allele frequency attached by ClinVar (database versions not stated): gnomAD exomes below 0.00001.
gnomAD v4.1: 1 of 1,510,504 alleles (0.000066%); highest among the groups gnomAD compares: Non-Finnish European, 0.000092%; no homozygotes.

Submissions (2):

Labcorp Genetics (formerly Invitae), Labcorp
Classification: Likely benign for Hereditary breast ovarian cancer syndrome. Last evaluated: 2023-05-07. Review status: criteria provided, single submitter. Criteria: Invitae Variant Classification Sherloc (09022015). Collection method: clinical testing. Allele origin: germline.

GeneDx
Classification: Likely benign. Last evaluated: 2017-05-17. Review status: criteria provided, single submitter. Criteria: GeneDx Variant Classification (06012015). Collection method: clinical testing. Allele origin: germline. Affected: yes.
Comment: This variant is considered likely benign or benign based on one or more of the following criteria: it is a conservative change, it occurs at a poorly conserved position in the protein, it is predicted to be benign by multiple in silico algorithms, and/or has population frequency not consistent with disease.

NM_000059.4(BRCA2):c.6937+13T>C

Gene: BRCA2 (BRCA2 DNA repair associated; plus strand). Cytogenetic location: 13q13.1.
Variant type: single nucleotide variant.
Coding change: c.6937+13T>C on transcript NM_000059.4 (MANE Select); 13 bases into the intron after coding-DNA position 6937, T replaced by C.
Molecular consequence: intron variant.
Genome position (GRCh38, 1-based): chr13:32,344,666, T>C. VCF-style: chr13-32344666-T-C. GRCh37 (hg19) VCF-style: chr13-32918803-T-C.
Identifiers: ClinVar variation 516874 (VCV000516874.10), dbSNP rs587780868, ClinGen allele CA609086920.